The following is an entry in ClinVar:

ClinVar aggregate classification (germline): Pathogenic (3 of 4 stars; one submission).

Conditions:
Glanzmann thrombasthenia. Also called: PLATELET GLYCOPROTEIN IIb-IIIa DEFICIENCY; BLEEDING DISORDER, PLATELET-TYPE, 2; THROMBASTHENIA OF GLANZMANN AND NAEGELI; Thrombasthenia; Glanzmann's thrombasthenia. Identifiers: Orphanet 849, MedGen C0040015, MONDO:0100326.

Submission:

ClinGen Platelet Disorders Variant Curation Expert Panel, ClinGen
Classification: Pathogenic for Glanzmann thrombasthenia. Last evaluated: 2022-04-07. Review status: reviewed by expert panel. Criteria: ClinGen Platelet ACMG Specifications v2-1. Collection method: curation. Allele origin: germline. Inheritance: Autosomal recessive inheritance.
Comment: NM_000212.3(ITGB3):c.161_165+1delinsCTGATT occurs within the canonical splice donor site of intron 2. It is predicted to cause skipping of biologically-relevant-exon 2, resulting in a frameshift with a premature stop codon in exon 3/15, leading to nonsense mediated decay in a gene in which loss-of-function is an established disease mechanism. Confirmation of exon 2 deletion was made by RT-PCR in patient cells (PVS1; PMID: 8471765). This variant is absent from gnomAD v2.1.1 (PM2_Supporting). One homozygous patient has been reported with Glanzmann thrombasthenia (PMID: 8471765; PM3_supporting). In summary, this variant meets the criteria to be classified as Pathogenic for autosomal recessive Glanzmann Thrombasthenia based on the ACMG/AMP criteria applied, as specified by the ClinGen PD VCEP: PVS1, PM2_supporting, PM3_supporting. (VCEP specifications version 2; date of approval 01/18/2022)

NM_000212.3(ITGB3):c.161_165+1delinsCTGATT

Gene: ITGB3 (integrin subunit beta 3; plus strand). Cytogenetic location: 17q21.32.
Variant type: Indel.
Coding change: c.161_165+1delinsCTGATT on transcript NM_000212.3 (MANE Select); coding-DNA position 161 through the canonical splice donor site of the intron after coding-DNA position 165, ATGAGG replaced by CTGATT.
Molecular consequence: splice donor variant.
Genome position (GRCh38, 1-based): chr17:47,274,500-47,274,505, ATGAGG replaced by CTGATT. VCF-style: chr17-47274500-ATGAGG-CTGATT. GRCh37 (hg19) VCF-style: chr17-45351866-ATGAGG-CTGATT.
Other names: NM_000212.3:c.161_165+1delinsCTGATT.
Identifiers: ClinVar variation 1879054 (VCV001879054.1), dbSNP rs2547613593, ClinGen allele CA915940805.